The following is an entry in ClinVar:

NM_000179.3(MSH6):c.1541G>A (p.Cys514Tyr)

Gene: MSH6 (mutS homolog 6; plus strand). Cytogenetic location: 2p16.3.
Variant type: single nucleotide variant.
Coding change: c.1541G>A on transcript NM_000179.3 (MANE Select); coding-DNA position 1541, G replaced by A.
Protein change: p.Cys514Tyr; replaces cysteine 514 with tyrosine.
Molecular consequence: missense variant. On other transcripts: non-coding transcript variant (4), intron variant (1).
Genome position (GRCh38, 1-based): chr2:47,799,524, G>A. VCF-style: chr2-47799524-G-A. GRCh37 (hg19) VCF-style: chr2-48026663-G-A.
Other names: c.1151G>A, p.Cys384Tyr (NM_001281492.2); c.635G>A, p.Cys212Tyr (NM_001281493.2, NM_001281494.2, NM_001406811.1 and 6 more transcripts); c.1637G>A, p.Cys546Tyr (NM_001406795.1, NM_001406802.1); c.1541G>A, p.Cys514Tyr (NM_001406796.1, NM_001406798.1, NM_001406800.1 and 4 more transcripts); c.1244G>A, p.Cys415Tyr (NM_001406797.1, NM_001406801.1, NM_001406805.1 and 10 more transcripts); c.1016G>A, p.Cys339Tyr (NM_001406799.1, NM_001406806.1, NM_001406807.1); c.1463G>A, p.Cys488Tyr (NM_001406804.1); c.1547G>A, p.Cys516Tyr (NM_001406813.1); and 2 more; short protein forms C384Y, C458Y, C488Y, C514Y, C415Y, C516Y, C339Y, C212Y.
Identifiers: ClinVar variation 2696503 (VCV002696503.4), dbSNP rs2104350516, ClinGen allele CA346746595.

ClinVar aggregate classification (germline): Uncertain significance. Review status: criteria provided, multiple submitters, no conflicts (2 of 4 stars). 2 submissions from 2 submitters: Uncertain significance (2). Last evaluated 2023-11-17.

Conditions:
Hereditary cancer-predisposing syndrome. Also called: Neoplastic Syndromes, Hereditary; Tumor predisposition; Hereditary neoplastic syndrome; Hereditary Cancer Syndrome. Identifiers: Orphanet 140162, MedGen C0027672, MeSH D009386, MONDO:0015356.
Hereditary nonpolyposis colorectal neoplasms. Identifiers: MedGen C0009405, MeSH D003123.

Submissions (2):

Labcorp Genetics (formerly Invitae), Labcorp
Classification: Uncertain significance for Hereditary nonpolyposis colorectal neoplasms. Last evaluated: 2023-11-17. Review status: criteria provided, single submitter. Criteria: Invitae Variant Classification Sherloc (09022015). Collection method: clinical testing. Allele origin: germline.
Comment: This sequence change replaces cysteine, which is neutral and slightly polar, with tyrosine, which is neutral and polar, at codon 514 of the MSH6 protein (p.Cys514Tyr). This variant is not present in population databases (gnomAD no frequency). This variant has not been reported in the literature in individuals affected with MSH6-related conditions. Advanced modeling of protein sequence and biophysical properties (such as structural, functional, and spatial information, amino acid conservation, physicochemical variation, residue mobility, and thermodynamic stability) performed at Invitae indicates that this missense variant is expected to disrupt MSH6 protein function with a positive predictive value of 95%. In summary, the available evidence is currently insufficient to determine the role of this variant in disease. Therefore, it has been classified as a Variant of Uncertain Significance.

Ambry Genetics
Classification: Uncertain significance for Hereditary cancer-predisposing syndrome. Last evaluated: 2017-12-14. Review status: criteria provided, single submitter. Criteria: Ambry Variant Classification Scheme 2023. Collection method: clinical testing. Allele origin: germline.